The following is an entry in ClinVar:

ClinVar aggregate classification (germline): Uncertain significance (1 of 4 stars; one submission).

Allele frequency attached by ClinVar (database versions not stated): gnomAD exomes below 0.00001; ExAC 0.00001.
gnomAD v4.1: 3 of 1,611,748 alleles (0.00019%); highest among the groups gnomAD compares: Admixed American, 0.0017%; no homozygotes.

Submission:

Labcorp Genetics (formerly Invitae), Labcorp
Classification: Uncertain significance. Last evaluated: 2022-08-09. Review status: criteria provided, single submitter. Criteria: Invitae Variant Classification Sherloc (09022015). Collection method: clinical testing. Allele origin: germline.
Comment: In summary, the available evidence is currently insufficient to determine the role of this variant in disease. Therefore, it has been classified as a Variant of Uncertain Significance. Algorithms developed to predict the effect of missense changes on protein structure and function output the following: SIFT: "Tolerated"; PolyPhen-2: "Benign"; Align-GVGD: "Class C0". The alanine amino acid residue is found in multiple mammalian species, which suggests that this missense change does not adversely affect protein function. This variant has not been reported in the literature in individuals affected with MPDZ-related conditions. The frequency data for this variant in the population databases is considered unreliable, as metrics indicate poor data quality at this position in the gnomAD database. This sequence change replaces threonine, which is neutral and polar, with alanine, which is neutral and non-polar, at codon 1841 of the MPDZ protein (p.Thr1841Ala).

NM_001378778.1(MPDZ):c.5608A>G (p.Thr1870Ala)

Gene: MPDZ (multiple PDZ domain crumbs cell polarity complex component; minus strand). Cytogenetic location: 9p23.
Variant type: single nucleotide variant.
Coding change: c.5608A>G on transcript NM_001378778.1 (MANE Select); coding-DNA position 5608, A replaced by G.
Protein change: p.Thr1870Ala; replaces threonine 1870 with alanine.
Molecular consequence: missense variant.
Genome position (GRCh38, 1-based): chr9:13,112,140, T>C on the plus strand (A>G on the coding strand, the complement: MPDZ is on the minus strand). VCF-style: chr9-13112140-T-C. GRCh37 (hg19) VCF-style: chr9-13112139-T-C.
Other names: c.5311A>G, p.Thr1771Ala (NM_001375426.1, NM_001375425.1); c.5200A>G, p.Thr1734Ala (NM_001375427.1); c.5521A>G, p.Thr1841Ala (NM_003829.5); c.5608A>G, p.Thr1870Ala (NM_001330637.2); c.5707A>G, p.Thr1903Ala (NM_001375413.1); c.5509A>G, p.Thr1837Ala (NM_001375416.1, NM_001375417.1, NM_001375418.1 and 1 more transcripts); c.5422A>G, p.Thr1808Ala (NM_001375419.1, NM_001261407.2); c.5398A>G, p.Thr1800Ala (NM_001375420.1, NM_001375421.1, NM_001375422.1 and 2 more transcripts); short protein forms T1734A, T1808A, T1870A, T1771A, T1800A, T1837A, T1841A, T1903A.
Identifiers: ClinVar variation 2115763 (VCV002115763.4), dbSNP rs754754132, ClinGen allele CA4986176.